The following is an entry in ClinVar:

ClinVar aggregate classification (germline): Uncertain significance. Review status: criteria provided, multiple submitters, no conflicts (2 of 4 stars). 3 submissions from 3 submitters: Uncertain significance (3). Last evaluated 2026-04-13.

Conditions:
Charcot-Marie-Tooth disease type 4. Also called: Charcot-Marie-Tooth, Type 4; Charcot-Marie-Tooth disease, type IV. Identifiers: Orphanet 64749, MedGen C4082197, MONDO:0018995.
Inborn genetic diseases. Identifiers: MedGen C0950123, MeSH D030342.
NDRG1-related disorder. Also called: NDRG1-related condition.

gnomAD v4.1: 82 of 1,611,066 alleles (0.0051%); highest among the groups gnomAD compares: Non-Finnish European, 0.00076%; 3 homozygotes.

Submissions (3):

PreventionGenetics, part of Exact Sciences
Classification: Uncertain significance for NDRG1-related condition. Last evaluated: 2026-04-13. Review status: criteria provided, single submitter. Criteria: ACMG Guidelines, 2015. Collection method: clinical testing. Allele origin: germline.
Comment: The NDRG1 c.448G>A variant is predicted to result in the amino acid substitution p.Ala150Thr. To our knowledge, this variant has not been reported in the literature. This variant is reported in 0.0039% of alleles in individuals of European (non-Finnish) descent in gnomAD. At this time, the clinical significance of this variant is uncertain due to the absence of conclusive functional and genetic evidence.

Ambry Genetics
Classification: Uncertain significance for Inborn genetic diseases. Last evaluated: 2025-08-22. Review status: criteria provided, single submitter. Criteria: Ambry Variant Classification Scheme 2023. Collection method: clinical testing. Allele origin: germline.

Labcorp Genetics (formerly Invitae), Labcorp
Classification: Uncertain significance for Charcot-Marie-Tooth disease type 4. Last evaluated: 2022-08-23. Review status: criteria provided, single submitter. Criteria: Invitae Variant Classification Sherloc (09022015). Collection method: clinical testing. Allele origin: germline.
Comment: This sequence change replaces alanine, which is neutral and non-polar, with threonine, which is neutral and polar, at codon 150 of the NDRG1 protein (p.Ala150Thr). This variant is present in population databases (no rsID available, gnomAD 0.004%). This variant has not been reported in the literature in individuals affected with NDRG1-related conditions. ClinVar contains an entry for this variant (Variation ID: 1461271). Algorithms developed to predict the effect of missense changes on protein structure and function are either unavailable or do not agree on the potential impact of this missense change (SIFT: "Deleterious"; PolyPhen-2: "Probably Damaging"; Align-GVGD: "Class C0"). In summary, the available evidence is currently insufficient to determine the role of this variant in disease. Therefore, it has been classified as a Variant of Uncertain Significance.

NM_006096.4(NDRG1):c.448G>A (p.Ala150Thr)

Gene: NDRG1 (N-myc downstream regulated 1; minus strand). Cytogenetic location: 8q24.22.
Variant type: single nucleotide variant.
Coding change: c.448G>A on transcript NM_006096.4 (MANE Select); coding-DNA position 448, G replaced by A.
Protein change: p.Ala150Thr; replaces alanine 150 with threonine.
Molecular consequence: missense variant.
Genome position (GRCh38, 1-based): chr8:133,258,368, C>T on the plus strand (G>A on the coding strand, the complement: NDRG1 is on the minus strand). VCF-style: chr8-133258368-C-T. GRCh37 (hg19) VCF-style: chr8-134270611-C-T.
Other names: c.448G>A (NM_006096.3); c.448G>A, p.Ala150Thr (NM_001135242.2, NM_001374844.1, NM_001374845.1 and 1 more transcripts); c.250G>A, p.Ala84Thr (NM_001258432.2, NM_001374847.1); c.205G>A, p.Ala69Thr (NM_001258433.2); short protein forms A69T, A150T, A84T.
Identifiers: ClinVar variation 1461271 (VCV001461271.5), dbSNP rs150796527, ClinGen allele CA186379824.
Genomic context (GRCh38, chr8:133,258,368, plus strand): 5'-TCCTTCATCTTAAAATGTTATTTAAAATGCGATTTTCAAAAAATGCCAAAGCACTCACAG[C>T]AAATCGAGTTAGGATGTAGGCGCCTGCTCCTGTTCCCATGCCAATAATGCTTTTCAGCCT-3'
Protein context (NP_006087.2, residues 140-160): GAGAYILTRF[Ala150Thr]LNNPEMVEGL